The following is an entry in ClinVar:

ClinVar aggregate classification (germline): Pathogenic/Likely pathogenic. Review status: criteria provided, multiple submitters, no conflicts (2 of 4 stars). 2 submissions from 2 submitters: Pathogenic (1); Likely pathogenic (1). Last evaluated 2025-05-16.

Conditions:
Deficiency of UDPglucose-hexose-1-phosphate uridylyltransferase. Also called: GALACTOSE-1-PHOSPHATE URIDYLYLTRANSFERASE DEFICIENCY; GALT deficiency; Galactosemia, classic; Transferase Deficiency Galactosemia; GALACTOSEMIA I. Identifiers: Orphanet 352, Orphanet 79239, MedGen C0268151, MONDO:0009258, OMIM 230400.
Galactosemia. Also called: Galactose intolerance. Identifiers: Orphanet 352, MedGen C0016952, MONDO:0018116, HP:0004919. Disease mechanism: loss of function.

Submissions (2):

Women's Health and Genetics/Laboratory Corporation of America, LabCorp
Classification: Pathogenic for Deficiency of UDPglucose-hexose-1-phosphate uridylyltransferase. Last evaluated: 2025-05-16. Review status: criteria provided, single submitter. Criteria: LabCorp Variant Classification Summary - May 2015. Collection method: clinical testing. Allele origin: germline.
Comment: Variant summary: GALT c.158G>A (p.Trp53X) results in a premature termination codon, predicted to cause a truncation of the encoded protein or absence of the protein due to nonsense mediated decay, which are commonly known mechanisms for disease. The variant was absent in 251396 control chromosomes. To our knowledge, no occurrence of c.158G>A in individuals affected with Galactosemia and no experimental evidence demonstrating its impact on protein function have been reported. No submitters have cited clinical-significance assessments for this variant to ClinVar. Based on the evidence outlined above, the variant was classified as pathogenic.

Natera, Inc.
Classification: Likely pathogenic for Galactosemia. Last evaluated: 2025-03-04. Review status: criteria provided, single submitter. Criteria: Natera Variant Classification Schema (03/2026). Collection method: clinical testing. Allele origin: germline.
Comment: The c.158G>A variant in GALT is a nonsense variant predicted to introduce a stop codon at amino acid 53. This variant is expected to result in nonsense mediated decay, truncation, or a dysfunctional protein product. This variant is rare in the general population with a frequency below the threshold expected for the associated phenotype(s). Given the available evidence, this variant is classified as Likely Pathogenic.

NM_000155.4(GALT):c.158G>A (p.Trp53Ter)

Genes: GALT (galactose-1-phosphate uridylyltransferase; plus strand), LOC130001683 (ATAC-STARR-seq lymphoblastoid active region 28314; plus strand). Cytogenetic location: 9p13.3.
Variant type: single nucleotide variant.
Coding change: c.158G>A on transcript NM_000155.4 (MANE Select); coding-DNA position 158, G replaced by A.
Protein change: p.Trp53Ter; replaces tryptophan 53 with a stop codon.
Molecular consequence: nonsense. On other transcripts: 5 prime UTR variant (1).
Genome position (GRCh38, 1-based): chr9:34,647,164, G>A. VCF-style: chr9-34647164-G-A. GRCh37 (hg19) VCF-style: chr9-34647161-G-A.
Other names: c.-45G>A (NM_001258332.2); c.158G>A (NM_000155.3); short protein forms W53*.
Identifiers: ClinVar variation 3902172 (VCV003902172.2).